The following is an entry in ClinVar:

NM_003193.5(TBCE):c.1225G>T (p.Glu409Ter)

Gene: TBCE (tubulin folding cofactor E; plus strand). Cytogenetic location: 1q42.3.
Variant type: single nucleotide variant.
Coding change: c.1225G>T on transcript NM_003193.5 (MANE Select); coding-DNA position 1225, G replaced by T.
Protein change: p.Glu409Ter; replaces glutamic acid 409 with a stop codon.
Molecular consequence: nonsense.
Genome position (GRCh38, 1-based): chr1:235,438,877, G>T. VCF-style: chr1-235438877-G-T. GRCh37 (hg19) VCF-style: chr1-235602192-G-T.
Other names: c.1225G>T, p.Glu409Ter (NM_001079515.3); c.1378G>T, p.Glu460Ter (NM_001287801.2); c.886G>T, p.Glu296Ter (NM_001287802.2); short protein forms E409*, E460*, E296*.
Identifiers: ClinVar variation 2762704 (VCV002762704.3), dbSNP rs142349400, ClinGen allele CA344945552.

ClinVar aggregate classification (germline): Pathogenic (1 of 4 stars; one submission).

gnomAD v4.1: 6 of 1,614,136 alleles (0.00037%); highest among the groups gnomAD compares: Non-Finnish European, 0.00051%; no homozygotes.

Submission:

Labcorp Genetics (formerly Invitae), Labcorp
Classification: Pathogenic. Last evaluated: 2023-09-22. Review status: criteria provided, single submitter. Criteria: Invitae Variant Classification Sherloc (09022015). Collection method: clinical testing. Allele origin: germline.
Comment: For these reasons, this variant has been classified as Pathogenic. Algorithms developed to predict the effect of sequence changes on RNA splicing suggest that this variant may disrupt the consensus splice site. This variant has not been reported in the literature in individuals affected with TBCE-related conditions. This variant is not present in population databases (gnomAD no frequency). This sequence change creates a premature translational stop signal (p.Glu409*) in the TBCE gene. It is expected to result in an absent or disrupted protein product. Loss-of-function variants in TBCE are known to be pathogenic (PMID: 27666369, 34134906, 34356170).

Literature cited by the submitters: PubMed 27666369; PubMed 34134906; PubMed 34356170.